The following is an entry in ClinVar:

NM_012096.3(APPL1):c.1256G>A (p.Arg419Gln)

Gene: APPL1 (adaptor protein, phosphotyrosine interacting with PH domain and leucine zipper 1; plus strand). Cytogenetic location: 3p14.3.
Variant type: single nucleotide variant.
Coding change: c.1256G>A on transcript NM_012096.3 (MANE Select); coding-DNA position 1256, G replaced by A.
Protein change: p.Arg419Gln; replaces arginine 419 with glutamine.
Molecular consequence: missense variant.
Genome position (GRCh38, 1-based): chr3:57,257,254, G>A. VCF-style: chr3-57257254-G-A. GRCh37 (hg19) VCF-style: chr3-57291282-G-A.
Other names: short protein forms R419Q.
Identifiers: ClinVar variation 3887045 (VCV003887045.2).

ClinVar aggregate classification (germline): Conflicting classifications of pathogenicity. Review status: criteria provided, conflicting classifications (1 of 4 stars). 2 submissions from 2 submitters: Uncertain significance (1); Likely benign (1). Last evaluated 2025-03-07.

Conditions:
APPL1-related disorder. Also called: APPL1-related condition.

gnomAD v4.1: 17 of 1,610,344 alleles (0.0011%); highest among the groups gnomAD compares: South Asian, 0.012%; no homozygotes.

Submissions (2):

Ambry Genetics
Classification: Likely benign. Last evaluated: 2025-03-07. Review status: criteria provided, single submitter. Criteria: Ambry Variant Classification Scheme 2023. Collection method: clinical testing. Allele origin: germline.

PreventionGenetics, part of Exact Sciences
Classification: Uncertain significance for APPL1-related condition. Last evaluated: 2025-02-16. Review status: criteria provided, single submitter. Criteria: ACMG Guidelines, 2015. Collection method: clinical testing. Allele origin: germline.
Comment: The APPL1 c.1256G>A variant is predicted to result in the amino acid substitution p.Arg419Gln. To our knowledge, this variant has not been reported in the literature. This variant is reported in 0.020% of alleles in individuals of South Asian descent in gnomAD, which is likely too common for an undocumented disease-causing variant. Although we suspect that this variant may be benign, at this time, the clinical significance of this variant is uncertain due to the absence of conclusive functional and genetic evidence.